The following is an entry in ClinVar:

ClinVar aggregate classification (germline): Uncertain significance (1 of 4 stars; one submission).

gnomAD v4.1: 5 of 1,613,670 alleles (0.00031%); highest among the groups gnomAD compares: Non-Finnish European, 0.00034%; no homozygotes.

Submission:

Labcorp Genetics (formerly Invitae), Labcorp
Classification: Uncertain significance. Last evaluated: 2026-01-21. Review status: criteria provided, single submitter. Criteria: Invitae Variant Classification Sherloc (09022015). Collection method: clinical testing. Allele origin: germline.
Comment: This sequence change replaces proline, which is neutral and non-polar, with serine, which is neutral and polar, at codon 710 of the COL4A1 protein (p.Pro710Ser). This variant is present in population databases (no rsID available, gnomAD 0.0009%). This variant has not been reported in the literature in individuals affected with COL4A1-related conditions. Invitae Evidence Modeling of protein sequence and biophysical properties (such as structural, functional, and spatial information, amino acid conservation, physicochemical variation, residue mobility, and thermodynamic stability) indicates that this missense variant is not expected to disrupt COL4A1 protein function with a negative predictive value of 95%. In summary, the available evidence is currently insufficient to determine the role of this variant in disease. Therefore, it has been classified as a Variant of Uncertain Significance.

NM_001845.6(COL4A1):c.2128C>T (p.Pro710Ser)

Gene: COL4A1 (collagen type IV alpha 1 chain; minus strand). Cytogenetic location: 13q34.
Variant type: single nucleotide variant.
Coding change: c.2128C>T on transcript NM_001845.6 (MANE Select); coding-DNA position 2128, C replaced by T.
Protein change: p.Pro710Ser; replaces proline 710 with serine.
Molecular consequence: missense variant.
Genome position (GRCh38, 1-based): chr13:110,181,357, G>A on the plus strand (C>T on the coding strand, the complement: COL4A1 is on the minus strand). VCF-style: chr13-110181357-G-A. GRCh37 (hg19) VCF-style: chr13-110833704-G-A.
Other names: short protein forms P710S.
Identifiers: ClinVar variation 4691914 (VCV004691914.1).